The following is an entry in ClinVar:

ClinVar aggregate classification (germline): Uncertain significance (1 of 4 stars; one submission).

Conditions:
Dyskeratosis congenita, autosomal recessive 6 (DKCB6). Identifiers: MedGen C4225356, MONDO:0014600, OMIM 616353.
Pulmonary fibrosis and/or bone marrow failure, Telomere-related, 4. Also called: PULMONARY FIBROSIS AND/OR BONE MARROW FAILURE SYNDROME, TELOMERE-RELATED, 4. Identifiers: Orphanet 2032, MedGen C4225347, MONDO:0014612, OMIM 616371.

Allele frequency attached by ClinVar (database versions not stated): gnomAD exomes below 0.00001; TOPMed below 0.00001.
gnomAD v4.1: 2 of 1,582,438 alleles (0.00013%); highest among the groups gnomAD compares: East Asian, 0.0022%; no homozygotes.

Submission:

Labcorp Genetics (formerly Invitae), Labcorp
Classification: Uncertain significance for Dyskeratosis congenita, autosomal recessive 6; Pulmonary fibrosis and/or bone marrow failure, Telomere-related, 4. Last evaluated: 2025-05-01. Review status: criteria provided, single submitter. Criteria: Invitae Variant Classification Sherloc (09022015). Collection method: clinical testing. Allele origin: germline.
Comment: This sequence change falls in intron 18 of the PARN gene. It does not directly change the encoded amino acid sequence of the PARN protein. It affects a nucleotide within the consensus splice site. This variant is present in population databases (no rsID available, gnomAD 0.006%). This variant has not been reported in the literature in individuals affected with PARN-related conditions. ClinVar contains an entry for this variant (Variation ID: 1982769). Variants that disrupt the consensus splice site are a relatively common cause of aberrant splicing (PMID: 17576681, 9536098). Algorithms developed to predict the effect of sequence changes on RNA splicing suggest that this variant is not likely to affect RNA splicing. In summary, the available evidence is currently insufficient to determine the role of this variant in disease. Therefore, it has been classified as a Variant of Uncertain Significance.

Literature cited by the submitters: PubMed 17576681; PubMed 9536098.

NM_002582.4(PARN):c.1262+3A>G

Gene: PARN (poly(A)-specific ribonuclease; minus strand). Cytogenetic location: 16p13.12.
Variant type: single nucleotide variant.
Coding change: c.1262+3A>G on transcript NM_002582.4 (MANE Select); 3 bases into the intron after coding-DNA position 1262, A replaced by G.
Molecular consequence: intron variant.
Genome position (GRCh38, 1-based): chr16:14,580,871, T>C on the plus strand (A>G on the coding strand, the complement: PARN is on the minus strand). VCF-style: chr16-14580871-T-C. GRCh37 (hg19) VCF-style: chr16-14674728-T-C.
Other names: c.1079+3A>G (NM_001134477.3); c.1124+3A>G (NM_001242992.2).
Identifiers: ClinVar variation 1982769 (VCV001982769.4), dbSNP rs1352347424, ClinGen allele CA621029723.
Genomic context (GRCh38, chr16:14,580,871, plus strand): 5'-CCCAAGATATGAGGCTGTTCCACAGTGAGAGAACTTGGAAACTGGAACTCTCTGATTACT[T>C]ACTTGTTAAAAAAAGGTTCAATGAGTTTTGATCTGGCAGACACATGAATTTTTGGAGGGC-3'